The following is an entry in ClinVar:

ClinVar aggregate classification (germline): Uncertain significance (1 of 4 stars; one submission).

Submission:

Labcorp Genetics (formerly Invitae), Labcorp
Classification: Uncertain significance. Last evaluated: 2024-09-19. Review status: criteria provided, single submitter. Criteria: Invitae Variant Classification Sherloc (09022015). Collection method: clinical testing. Allele origin: germline.
Comment: This sequence change falls in intron 38 of the POLE gene. It does not directly change the encoded amino acid sequence of the POLE protein. It affects a nucleotide within the consensus splice site. This variant is not present in population databases (gnomAD no frequency). This variant has not been reported in the literature in individuals affected with POLE-related conditions. ClinVar contains an entry for this variant (Variation ID: 655320). Variants that disrupt the consensus splice site are a relatively common cause of aberrant splicing (PMID: 17576681, 9536098). Algorithms developed to predict the effect of sequence changes on RNA splicing suggest that this variant is not likely to affect RNA splicing. In summary, the available evidence is currently insufficient to determine the role of this variant in disease. Therefore, it has been classified as a Variant of Uncertain Significance.

Literature cited by the submitters: PubMed 17576681; PubMed 9536098.

NM_006231.4(POLE):c.5173+5del

Gene: POLE (DNA polymerase epsilon, catalytic subunit; minus strand). Cytogenetic location: 12q24.33.
Variant type: Deletion.
Coding change: c.5173+5del on transcript NM_006231.4 (MANE Select); 5 bases into the intron after coding-DNA position 5173, one base deleted (G; older notation c.5173+5delG).
Molecular consequence: intron variant.
Genome position (GRCh38, 1-based): chr12:132,642,172, C deleted on the plus strand (G on the coding strand, the reverse complement: POLE is on the minus strand). VCF-style (leftmost placement, unchanged base first): chr12-132642171-AC-A. GRCh37 (hg19) VCF-style: chr12-133218757-AC-A.
Other names: c.5173+5delG (NM_006231.3).
Identifiers: ClinVar variation 655320 (VCV000655320.6), dbSNP rs1593729172, ClinGen allele CA915946812.
Genomic context (GRCh38, chr12:132,642,171, plus strand): 5'-GAAGATGTCACAGAATGGCAGAAACACCAGCCAGGTCTCATGGGCCTCGTCCTCCCGCCC[AC>A]TTACCTGTGGAGTAACAGCCTGAACTGTTGATCTCAACAGTGGCTTGGTCATCGAACTCC-3'